The following is an entry in ClinVar:

NM_030973.4(MED25):c.1788A>G (p.Val596=)

Gene: MED25 (mediator complex subunit 25; plus strand). Cytogenetic location: 19q13.33.
Variant type: single nucleotide variant.
Coding change: c.1788A>G on transcript NM_030973.4 (MANE Select); coding-DNA position 1788, A replaced by G.
Protein change: p.Val596=; no amino-acid change (valine 596 retained).
Molecular consequence: synonymous variant.
Genome position (GRCh38, 1-based): chr19:49,835,768, A>G. VCF-style: chr19-49835768-A-G. GRCh37 (hg19) VCF-style: chr19-50339025-A-G.
Other names: c.1788A>G, p.Val596= (NM_001378355.1).
Identifiers: ClinVar variation 2201606 (VCV002201606.29), dbSNP rs1185106322, ClinGen allele CA9585382.

ClinVar aggregate classification (germline): Likely benign. Review status: criteria provided, multiple submitters, no conflicts (2 of 4 stars). 3 submissions from 3 submitters: Likely benign (2). 1 of the submissions does not count toward it. Last evaluated 2025-09-10.

Conditions:
MED25-related disorder. Also called: MED25-related condition.
Charcot-Marie-Tooth disease type 2. Also called: Charcot-Marie-Tooth type 2. Identifiers: Orphanet 64746, MedGen C0270914, MONDO:0018993.

Allele frequency attached by ClinVar (database versions not stated): TOPMed below 0.00001; gnomAD exomes 0.00005; gnomAD 0.00007; ExAC 0.00023.
gnomAD v4.1: 96 of 1,609,398 alleles (0.006%); highest among the groups gnomAD compares: Non-Finnish European, 0.0019%; no homozygotes.

Submissions (3):

Labcorp Genetics (formerly Invitae), Labcorp
Classification: Likely benign for Charcot-Marie-Tooth disease type 2. Last evaluated: 2025-09-10. Review status: criteria provided, single submitter. Criteria: Invitae Variant Classification Sherloc (09022015). Collection method: clinical testing. Allele origin: germline.

CeGaT Center for Human Genetics Tuebingen
Classification: Likely benign. Last evaluated: 2023-04-01. Review status: criteria provided, single submitter. Criteria: CeGaT Center For Human Genetics Tuebingen Variant Classification Criteria Version 2. Collection method: clinical testing. Allele origin: germline. Affected: yes. Observed: 1 variant allele.
Comment: MED25: BP4, BP7

PreventionGenetics, part of Exact Sciences
Classification: Likely benign for MED25-related condition. Last evaluated: 2019-06-06. Review status: no assertion criteria provided. Collection method: clinical testing. Allele origin: germline. Not counted in ClinVar's aggregate classification.
Comment: This variant is classified as likely benign based on ACMG/AMP sequence variant interpretation guidelines (Richards et al. 2015 PMID: 25741868, with internal and published modifications).